The following is an entry in ClinVar:

ClinVar aggregate classification (germline): Uncertain significance (1 of 4 stars; one submission).

Conditions:
GNAS-related disorder. Identifiers: MedGen CN380105.

Allele frequency attached by ClinVar (database versions not stated): TOPMed below 0.00001.

Submission:

PreventionGenetics, part of Exact Sciences
Classification: Uncertain significance for GNAS-related condition. Last evaluated: 2022-08-26. Review status: criteria provided, single submitter. Criteria: ACMG Guidelines, 2015. Collection method: clinical testing. Allele origin: germline.
Comment: The GNAS c.47T>C variant is predicted to result in the amino acid substitution p.Phe16Ser. To our knowledge, this variant has not been reported in the literature or in a large population database, indicating this variant is rare. At this time, the clinical significance of this variant is uncertain due to the absence of conclusive functional and genetic evidence.

NM_080425.4(GNAS):c.234T>C (p.Phe78=)

Gene: GNAS (GNAS complex locus; plus strand). Cytogenetic location: 20q13.32.
Variant type: single nucleotide variant.
Coding change: c.234T>C on transcript NM_080425.4 (MANE Plus Clinical); coding-DNA position 234, T replaced by C.
Protein change: p.Phe78=; no amino-acid change (phenylalanine 78 retained).
Molecular consequence: synonymous variant. On other transcripts: missense variant (2), intron variant (3).
Genome position (GRCh38, 1-based): chr20:58,853,499, T>C. VCF-style: chr20-58853499-T-C. GRCh37 (hg19) VCF-style: chr20-57428554-T-C.
Other names: c.47T>C, p.Phe16Ser (NM_001077490.3, NM_001309883.1); c.234T>C, p.Phe78= (NM_001410913.1); c.*42+12613T>C (NM_016592.5); c.43+12613T>C (NM_001410912.1); c.-39+11624T>C (NM_001309861.2); short protein forms F16S.
Identifiers: ClinVar variation 2632096 (VCV002632096.1), dbSNP rs2086269919, ClinGen allele CA409454795.